The following is an entry in ClinVar:

ClinVar aggregate classification (germline): Pathogenic. Review status: criteria provided, multiple submitters, no conflicts (2 of 4 stars). 2 submissions from 2 submitters: Pathogenic (2). Last evaluated 2023-05-05.

Conditions:
Capillary malformation-arteriovenous malformation syndrome. Also called: Capillary malformation-arteriovenous malformation. Identifiers: Orphanet 137667, MedGen C1842180, MONDO:0012016.

Submissions (2):

Labcorp Genetics (formerly Invitae), Labcorp
Classification: Pathogenic for Capillary malformation-arteriovenous malformation syndrome. Last evaluated: 2023-05-05. Review status: criteria provided, single submitter. Criteria: Invitae Variant Classification Sherloc (09022015). Collection method: clinical testing. Allele origin: germline.
Comment: ClinVar contains an entry for this variant (Variation ID: 618856). For these reasons, this variant has been classified as Pathogenic. This premature translational stop signal has been observed in individual(s) with capillary malformation-arteriovenous malformations (PMID: 26969842). This sequence change creates a premature translational stop signal (p.Tyr416*) in the RASA1 gene. It is expected to result in an absent or disrupted protein product. Loss-of-function variants in RASA1 are known to be pathogenic (PMID: 24038909). This variant is not present in population databases (gnomAD no frequency).

ARUP Laboratories, Molecular Genetics and Genomics, ARUP Laboratories
Classification: Pathogenic. Last evaluated: 2018-01-18. Review status: criteria provided, single submitter. Criteria: ARUP Molecular Germline Variant Investigation Process. Collection method: clinical testing. Allele origin: germline.

Literature cited by the submitters: PubMed 26969842 (cited by Labcorp Genetics (formerly Invitae), Labcorp); PubMed 24038909 (cited by Labcorp Genetics (formerly Invitae), Labcorp).

NM_002890.3(RASA1):c.1248T>G (p.Tyr416Ter)

Genes: CCNH (cyclin H; minus strand), RASA1 (RAS p21 protein activator 1; plus strand). Cytogenetic location: 5q14.3.
Variant type: single nucleotide variant.
Coding change: c.1248T>G on transcript NM_002890.3 (MANE Select); coding-DNA position 1248, T replaced by G.
Protein change: p.Tyr416Ter; replaces tyrosine 416 with a stop codon.
Molecular consequence: nonsense. On other transcripts: intron variant (1).
Genome position (GRCh38, 1-based): chr5:87,349,359, T>G. VCF-style: chr5-87349359-T-G. GRCh37 (hg19) VCF-style: chr5-86645176-T-G.
Other names: c.717T>G, p.Tyr239Ter (NM_022650.3); c.934-36564A>C (NM_001364075.2); short protein forms Y239*, Y416*.
Identifiers: ClinVar variation 618856 (VCV000618856.12), dbSNP rs1561300506, ClinGen allele CA360364236.